The following is an entry in ClinVar:

ClinVar aggregate classification (germline): Uncertain significance (1 of 4 stars; one submission).

Submission:

Ambry Genetics
Classification: Uncertain significance. Last evaluated: 2024-03-17. Review status: criteria provided, single submitter. Criteria: Ambry Variant Classification Scheme 2023. Collection method: clinical testing. Allele origin: germline.
Comment: The p.E94G variant (also known as c.281A>G), located in coding exon 3 of the PRKDC gene, results from an A to G substitution at nucleotide position 281. The glutamic acid at codon 94 is replaced by glycine, an amino acid with similar properties. This amino acid position is conserved. In addition, the in silico prediction for this alteration is inconclusive. Based on the available evidence, the clinical significance of this alteration remains unclear.

NM_006904.7(PRKDC):c.281A>G (p.Glu94Gly)

Gene: PRKDC (protein kinase, DNA-activated, catalytic subunit; minus strand). Cytogenetic location: 8q11.21.
Variant type: single nucleotide variant.
Coding change: c.281A>G on transcript NM_006904.7 (MANE Select); coding-DNA position 281, A replaced by G.
Protein change: p.Glu94Gly; replaces glutamic acid 94 with glycine.
Molecular consequence: missense variant.
Genome position (GRCh38, 1-based): chr8:47,957,214, T>C on the plus strand (A>G on the coding strand, the complement: PRKDC is on the minus strand). VCF-style: chr8-47957214-T-C. GRCh37 (hg19) VCF-style: chr8-48869774-T-C.
Other names: c.281A>G, p.Glu94Gly (NM_001081640.2); short protein forms E94G.
Identifiers: ClinVar variation 3310043 (VCV003310043.1).